The following is an entry in ClinVar:

ClinVar aggregate classification (germline): Likely pathogenic (1 of 4 stars; one submission).

Conditions:
Primary ciliary dyskinesia. Also called: Ciliary dyskinesia. Identifiers: Orphanet 244, MedGen C0008780, MONDO:0016575, HP:0012265.

Allele frequency attached by ClinVar (database versions not stated): ExAC 0.00001; gnomAD exomes 0.00001.
gnomAD v4.1: 4 of 1,588,576 alleles (0.00025%); highest among the groups gnomAD compares: South Asian, 0.0035%; no homozygotes.

Submission:

Labcorp Genetics (formerly Invitae), Labcorp
Classification: Likely pathogenic for Primary ciliary dyskinesia. Last evaluated: 2026-01-14. Review status: criteria provided, single submitter. Criteria: Invitae Variant Classification Sherloc (09022015). Collection method: clinical testing. Allele origin: germline.
Comment: This sequence change affects a donor splice site in intron 17 of the DNAH11 gene. It is expected to disrupt RNA splicing. Variants that disrupt the donor or acceptor splice site typically lead to a loss of protein function (PMID: 16199547), and loss-of-function variants in DNAH11 are known to be pathogenic (PMID: 18022865, 20513915, 22184204). This variant is present in population databases (rs765958312, gnomAD 0.002%). This variant has not been reported in the literature in individuals affected with DNAH11-related conditions. ClinVar contains an entry for this variant (Variation ID: 2785723). Algorithms developed to predict the effect of sequence changes on RNA splicing suggest that this variant may disrupt the consensus splice site. In summary, the currently available evidence indicates that the variant is pathogenic, but additional data are needed to prove that conclusively. Therefore, this variant has been classified as Likely Pathogenic.

Literature cited by the submitters: PubMed 16199547; PubMed 18022865; PubMed 20513915; PubMed 22184204.

NM_001277115.2(DNAH11):c.3425+1G>A

Genes: DNAH11 (dynein axonemal heavy chain 11; plus strand), LOC126859961 (BRD4-independent group 4 enhancer GRCh37_chr7:21639662-21640861; plus strand). Cytogenetic location: 7p15.3.
Variant type: single nucleotide variant.
Coding change: c.3425+1G>A on transcript NM_001277115.2 (MANE Select); the canonical splice donor site of the intron after coding-DNA position 3425, G replaced by A.
Molecular consequence: splice donor variant.
Genome position (GRCh38, 1-based): chr7:21,601,180, G>A. VCF-style: chr7-21601180-G-A. GRCh37 (hg19) VCF-style: chr7-21640798-G-A.
Identifiers: ClinVar variation 2785723 (VCV002785723.3), dbSNP rs765958312, ClinGen allele CA4179615.